The following is an entry in ClinVar:

NM_006231.4(POLE):c.5857G>A (p.Glu1953Lys)

Gene: POLE (DNA polymerase epsilon, catalytic subunit; minus strand). Cytogenetic location: 12q24.33.
Variant type: single nucleotide variant.
Coding change: c.5857G>A on transcript NM_006231.4 (MANE Select); coding-DNA position 5857, G replaced by A.
Protein change: p.Glu1953Lys; replaces glutamic acid 1953 with lysine.
Molecular consequence: missense variant.
Genome position (GRCh38, 1-based): chr12:132,634,333, C>T on the plus strand (G>A on the coding strand, the complement: POLE is on the minus strand). VCF-style: chr12-132634333-C-T. GRCh37 (hg19) VCF-style: chr12-133210919-C-T.
Other names: short protein forms E1953K.
Identifiers: ClinVar variation 3225493 (VCV003225493.3), dbSNP rs749600385, ClinGen allele CA387371764.

ClinVar aggregate classification (germline): Uncertain significance. Review status: criteria provided, multiple submitters, no conflicts (2 of 4 stars). 2 submissions from 2 submitters: Uncertain significance (2). Last evaluated 2025-06-30.

Conditions:
Hereditary cancer-predisposing syndrome. Also called: Neoplastic Syndromes, Hereditary; Tumor predisposition; Hereditary neoplastic syndrome; Hereditary Cancer Syndrome. Identifiers: Orphanet 140162, MedGen C0027672, MeSH D009386, MONDO:0015356.

Submissions (2):

Labcorp Genetics (formerly Invitae), Labcorp
Classification: Uncertain significance. Last evaluated: 2025-06-30. Review status: criteria provided, single submitter. Criteria: Invitae Variant Classification Sherloc (09022015). Collection method: clinical testing. Allele origin: germline.
Comment: This sequence change replaces glutamic acid, which is acidic and polar, with lysine, which is basic and polar, at codon 1953 of the POLE protein (p.Glu1953Lys). This variant is not present in population databases (gnomAD no frequency). This variant has not been reported in the literature in individuals affected with POLE-related conditions. ClinVar contains an entry for this variant (Variation ID: 3225493). An algorithm developed to predict the effect of missense changes on protein structure and function (PolyPhen-2) suggests that this variant is likely to be tolerated. In summary, the available evidence is currently insufficient to determine the role of this variant in disease. Therefore, it has been classified as a Variant of Uncertain Significance.

Ambry Genetics
Classification: Uncertain significance for Hereditary cancer-predisposing syndrome. Last evaluated: 2024-02-10. Review status: criteria provided, single submitter. Criteria: Ambry Variant Classification Scheme 2023. Collection method: clinical testing. Allele origin: germline.
Comment: The p.E1953K variant (also known as c.5857G>A), located in coding exon 43 of the POLE gene, results from a G to A substitution at nucleotide position 5857. The glutamic acid at codon 1953 is replaced by lysine, an amino acid with similar properties. This amino acid position is conserved. In addition, this alteration is predicted to be tolerated by in silico analysis. Based on the available evidence, the clinical significance of this alteration remains unclear.